The following is an entry in ClinVar:

NM_005633.4(SOS1):c.1434A>T (p.Pro478=)

Gene: SOS1 (SOS Ras/Rac guanine nucleotide exchange factor 1; minus strand). Cytogenetic location: 2p22.1.
Variant type: single nucleotide variant.
Coding change: c.1434A>T on transcript NM_005633.4 (MANE Select); coding-DNA position 1434, A replaced by T.
Protein change: p.Pro478=; no amino-acid change (proline 478 retained).
Molecular consequence: synonymous variant.
Genome position (GRCh38, 1-based): chr2:39,022,994, T>A on the plus strand (A>T on the coding strand, the complement: SOS1 is on the minus strand). VCF-style: chr2-39022994-T-A. GRCh37 (hg19) VCF-style: chr2-39250135-T-A.
Other names: c.1413A>T, p.Pro471= (NM_001382394.1); c.1434A>T, p.Pro478= (NM_001382395.1).
Identifiers: ClinVar variation 517852 (VCV000517852.1), dbSNP rs368495902, ClinGen allele CA1624598.

ClinVar aggregate classification (germline): Likely benign (1 of 4 stars; one submission).

Allele frequency attached by ClinVar (database versions not stated): TOPMed below 0.00001 and 0.00001; ExAC 0.00001; gnomAD exomes below 0.00001; ESP Exome Variant Server 0.00008.

Submission:

GeneDx
Classification: Likely benign. Last evaluated: 2017-04-12. Review status: criteria provided, single submitter. Criteria: GeneDx Variant Classification (06012015). Collection method: clinical testing. Allele origin: germline. Affected: yes.
Comment: This variant is considered likely benign or benign based on one or more of the following criteria: it is a conservative change, it occurs at a poorly conserved position in the protein, it is predicted to be benign by multiple in silico algorithms, and/or has population frequency not consistent with disease.